The following is an entry in ClinVar:

NM_005097.4(LGI1):c.827ACA[1] (p.Asn277del)

Gene: LGI1 (leucine rich glioma inactivated 1; plus strand). Cytogenetic location: 10q23.33.
Variant type: Microsatellite.
Coding change: c.827ACA[1] on transcript NM_005097.4 (MANE Select); one copy of the 3-base unit ACA starting at c.827; the reference has two copies in a row; one copy, 3 bases deleted.
Protein change: p.Asn277del; deletes asparagine 277.
Molecular consequence: inframe deletion. On other transcripts: non-coding transcript variant (1).
Genome position (GRCh38, 1-based): chr10:93,793,342-93,793,344, ACA deleted; deleting any 3 consecutive bases within chr10:93,793,339-93,793,344 gives the same sequence; the position shown is the placement nearest the transcript's 3' end. VCF-style (leftmost placement, unchanged base first): chr10-93793338-GACA-G. GRCh37 (hg19) VCF-style: chr10-95553095-GACA-G.
Other names: c.827ACA[1], p.Asn277del (NM_001308275.2); c.683ACA[1], p.Asn229del (NM_001308276.2); short protein forms N229del, N277del.
Identifiers: ClinVar variation 2717922 (VCV002717922.3), dbSNP rs2492906495, ClinGen allele CA2697558660.

ClinVar aggregate classification (germline): Uncertain significance (1 of 4 stars; one submission).

Conditions:
Autosomal dominant epilepsy with auditory features. Identifiers: Orphanet 101046, MedGen C1838062, MONDO:0010898.

Submission:

Labcorp Genetics (formerly Invitae), Labcorp
Classification: Uncertain significance for Autosomal dominant epilepsy with auditory features. Last evaluated: 2023-04-22. Review status: criteria provided, single submitter. Criteria: Invitae Variant Classification Sherloc (09022015). Collection method: clinical testing. Allele origin: germline.
Comment: This variant has not been reported in the literature in individuals affected with LGI1-related conditions. In summary, the available evidence is currently insufficient to determine the role of this variant in disease. Therefore, it has been classified as a Variant of Uncertain Significance. Experimental studies and prediction algorithms are not available or were not evaluated, and the functional significance of this variant is currently unknown. This variant is not present in population databases (gnomAD no frequency). This variant, c.830_832del, results in the deletion of 1 amino acid(s) of the LGI1 protein (p.Asn277del), but otherwise preserves the integrity of the reading frame.